The following is an entry in ClinVar:

NM_005045.4(RELN):c.6244G>A (p.Gly2082Arg)

Gene: RELN (reelin; minus strand). Cytogenetic location: 7q22.1.
Variant type: single nucleotide variant.
Coding change: c.6244G>A on transcript NM_005045.4 (MANE Select); coding-DNA position 6244, G replaced by A.
Protein change: p.Gly2082Arg; replaces glycine 2082 with arginine.
Molecular consequence: missense variant.
Genome position (GRCh38, 1-based): chr7:103,551,125, C>T on the plus strand (G>A on the coding strand, the complement: RELN is on the minus strand). VCF-style: chr7-103551125-C-T. GRCh37 (hg19) VCF-style: chr7-103191572-C-T.
Other names: c.6244G>A, p.Gly2082Arg (NM_173054.3); short protein forms G2082R.
Identifiers: ClinVar variation 1719931 (VCV001719931.5), dbSNP rs2484717309, ClinGen allele CA368737834.

ClinVar aggregate classification (germline): Uncertain significance (1 of 4 stars; one submission).

Conditions:
Norman-Roberts syndrome (LIS2). Also called: Lissencephaly 2 (Norman-Roberts type). Identifiers: Orphanet 89844, MedGen C0796089, MONDO:0009760, OMIM 257320.
Familial temporal lobe epilepsy 7. Identifiers: Orphanet 101046, MedGen C4225327, MONDO:0014639, OMIM 616436.

Submission:

Labcorp Genetics (formerly Invitae), Labcorp
Classification: Uncertain significance for Familial temporal lobe epilepsy 7; Norman-Roberts syndrome. Last evaluated: 2025-12-08. Review status: criteria provided, single submitter. Criteria: Invitae Variant Classification Sherloc (09022015). Collection method: clinical testing. Allele origin: germline.
Comment: This sequence change replaces glycine, which is neutral and non-polar, with arginine, which is basic and polar, at codon 2082 of the RELN protein (p.Gly2082Arg). This variant is not present in population databases (gnomAD no frequency). This variant has not been reported in the literature in individuals affected with RELN-related conditions. ClinVar contains an entry for this variant (Variation ID: 1719931). Invitae Evidence Modeling of protein sequence and biophysical properties (such as structural, functional, and spatial information, amino acid conservation, physicochemical variation, residue mobility, and thermodynamic stability) has been performed for this missense variant. However, the output from this modeling did not meet the statistical confidence thresholds required to predict the impact of this variant on RELN protein function. In summary, the available evidence is currently insufficient to determine the role of this variant in disease. Therefore, it has been classified as a Variant of Uncertain Significance.